The following is an entry in ClinVar:

NM_017514.5(PLXNA3):c.2495A>C (p.Gln832Pro)

Gene: PLXNA3 (plexin A3; plus strand). Cytogenetic location: Xq28.
Variant type: single nucleotide variant.
Coding change: c.2495A>C on transcript NM_017514.5 (MANE Select); coding-DNA position 2495, A replaced by C.
Protein change: p.Gln832Pro; replaces glutamine 832 with proline.
Molecular consequence: missense variant.
Genome position (GRCh38, 1-based): chrX:154,465,810, A>C. VCF-style: chrX-154465810-A-C. GRCh37 (hg19) VCF-style: chrX-153694153-A-C.
Other names: short protein forms Q832P.
Identifiers: ClinVar variation 4996859 (VCV004996859.1).

ClinVar aggregate classification (germline): Uncertain significance (1 of 4 stars; one submission).

Conditions:
PLXNA3-related disorder. Also called: PLXNA3-related condition.

gnomAD v4.1: 1 of 1,207,625 alleles (0.000083%); highest among the groups gnomAD compares: Non-Finnish European, 0.00011%; no homozygotes.

Submission:

PreventionGenetics, part of Exact Sciences
Classification: Uncertain significance for PLXNA3-related condition. Last evaluated: 2024-12-06. Review status: criteria provided, single submitter. Criteria: ACMG Guidelines, 2015. Collection method: clinical testing. Allele origin: germline.
Comment: The PLXNA3 c.2495A>C variant is predicted to result in the amino acid substitution p.Gln832Pro. To our knowledge, this variant has not been reported in the literature or in a large population database (gnomAD), indicating this variant is rare. At this time, the clinical significance of this variant is uncertain due to the absence of conclusive functional and genetic evidence.